The following is an entry in ClinVar:

ClinVar aggregate classification (germline): Uncertain significance (1 of 4 stars; one submission).

Conditions:
Tay-Sachs disease, variant AB. Also called: Gm2-gangliosidosis, ab variant; GM2 Activator Deficiency. Identifiers: Orphanet 309246, MedGen C0268275, MONDO:0010099, OMIM 272750.

Allele frequency attached by ClinVar (database versions not stated): gnomAD 0.00001; TOPMed 0.00001; gnomAD exomes below 0.00001.
gnomAD v4.1: 2 of 1,613,634 alleles (0.00012%); highest among the groups gnomAD compares: African/African-American, 0.0013%; no homozygotes.

Submission:

Labcorp Genetics (formerly Invitae), Labcorp
Classification: Uncertain significance for Tay-Sachs disease, variant AB. Last evaluated: 2024-12-02. Review status: criteria provided, single submitter. Criteria: Invitae Variant Classification Sherloc (09022015). Collection method: clinical testing. Allele origin: germline.
Comment: This sequence change replaces valine, which is neutral and non-polar, with methionine, which is neutral and non-polar, at codon 47 of the GM2A protein (p.Val47Met). This variant is present in population databases (no rsID available, gnomAD 0.007%). This variant has not been reported in the literature in individuals affected with GM2A-related conditions. ClinVar contains an entry for this variant (Variation ID: 1511063). An algorithm developed to predict the effect of missense changes on protein structure and function (PolyPhen-2) suggests that this variant is likely to be disruptive. In summary, the available evidence is currently insufficient to determine the role of this variant in disease. Therefore, it has been classified as a Variant of Uncertain Significance.

NM_000405.5(GM2A):c.139G>A (p.Val47Met)

Gene: GM2A (ganglioside GM2 activator; plus strand). Cytogenetic location: 5q33.1.
Variant type: single nucleotide variant.
Coding change: c.139G>A on transcript NM_000405.5 (MANE Select); coding-DNA position 139, G replaced by A.
Protein change: p.Val47Met; replaces valine 47 with methionine.
Molecular consequence: missense variant.
Genome position (GRCh38, 1-based): chr5:151,259,812, G>A. VCF-style: chr5-151259812-G-A. GRCh37 (hg19) VCF-style: chr5-150639373-G-A.
Other names: c.139G>A, p.Val47Met (NM_001167607.3); short protein forms V47M.
Identifiers: ClinVar variation 1511063 (VCV001511063.8), dbSNP rs1269101684, ClinGen allele CA361805850.
Genomic context (GRCh38, chr5:151,259,812, plus strand): 5'-CAGCCATCCCAGCTCAGTAGCTTTTCCTGGGATAACTGTGATGAAGGGAAGGACCCTGCG[G>A]TGATCAGAAGCCTGACTCTGGAGCCTGACCCCATCATCGTTCCTGGAAATGTGACCCTCA-3'
Protein context (NP_000396.2, residues 37-57): DNCDEGKDPA[Val47Met]IRSLTLEPDP